The following is an entry in ClinVar:

ClinVar aggregate classification (germline): Uncertain significance. Review status: criteria provided, multiple submitters, no conflicts (2 of 4 stars). 2 submissions from 2 submitters: Uncertain significance (2). Last evaluated 2026-02-20.

Conditions:
Familial adenomatous polyposis 1 (FAP1). Also called: FAMILIAL ADENOMATOUS POLYPOSIS 1, ATTENUATED; POLYPOSIS, ADENOMATOUS INTESTINAL. Identifiers: MedGen C2713442, MONDO:0021056, OMIM 175100. Disease mechanism: loss of function.
Hereditary cancer-predisposing syndrome. Also called: Hereditary Cancer Syndrome; Neoplastic Syndromes, Hereditary; Tumor predisposition; Hereditary neoplastic syndrome. Identifiers: Orphanet 140162, MedGen C0027672, MeSH D009386, MONDO:0015356.

Submissions (2):

Ambry Genetics
Classification: Uncertain significance for Hereditary cancer-predisposing syndrome. Last evaluated: 2026-02-20. Review status: criteria provided, single submitter. Criteria: Ambry Variant Classification Scheme 2023. Collection method: clinical testing. Allele origin: germline.
Comment: The p.R958I variant (also known as c.2873G>T), located in coding exon 15 of the APC gene, results from a G to T substitution at nucleotide position 2873. The arginine at codon 958 is replaced by isoleucine, an amino acid with similar properties. This amino acid position is conserved. In addition, in silico predictors for this gene do not accurately predict pathogenicity. Based on the available evidence, the clinical significance of this variant remains unclear.

Labcorp Genetics (formerly Invitae), Labcorp
Classification: Uncertain significance for Familial adenomatous polyposis 1. Last evaluated: 2023-12-07. Review status: criteria provided, single submitter. Criteria: Invitae Variant Classification Sherloc (09022015). Collection method: clinical testing. Allele origin: germline.
Comment: This sequence change replaces arginine, which is basic and polar, with isoleucine, which is neutral and non-polar, at codon 958 of the APC protein (p.Arg958Ile). This variant is not present in population databases (gnomAD no frequency). This variant has not been reported in the literature in individuals affected with APC-related conditions. ClinVar contains an entry for this variant (Variation ID: 1021373). Advanced modeling of protein sequence and biophysical properties (such as structural, functional, and spatial information, amino acid conservation, physicochemical variation, residue mobility, and thermodynamic stability) performed at Invitae indicates that this missense variant is not expected to disrupt APC protein function with a negative predictive value of 95%. In summary, the available evidence is currently insufficient to determine the role of this variant in disease. Therefore, it has been classified as a Variant of Uncertain Significance.

NM_000038.6(APC):c.2873G>T (p.Arg958Ile)

Gene: APC (APC regulator of Wnt signaling pathway; plus strand). Cytogenetic location: 5q22.2.
Variant type: single nucleotide variant.
Coding change: c.2873G>T on transcript NM_000038.6 (MANE Select); coding-DNA position 2873, G replaced by T.
Protein change: p.Arg958Ile; replaces arginine 958 with isoleucine.
Molecular consequence: missense variant.
Genome position (GRCh38, 1-based): chr5:112,838,467, G>T. VCF-style: chr5-112838467-G-T. GRCh37 (hg19) VCF-style: chr5-112174164-G-T.
Other names: c.2873G>T, p.Arg958Ile (NM_001127510.3, NM_001354895.2); c.2819G>T, p.Arg940Ile (NM_001127511.3); c.2927G>T, p.Arg976Ile (NM_001354896.2); c.2903G>T, p.Arg968Ile (NM_001354897.2); c.2798G>T, p.Arg933Ile (NM_001354898.2); c.2789G>T, p.Arg930Ile (NM_001354899.2); c.2750G>T, p.Arg917Ile (NM_001354900.2); c.2696G>T, p.Arg899Ile (NM_001354901.2); and 6 more; short protein forms R675I, R798I, R832I, R857I, R867I, R899I, R917I, R930I.
Identifiers: ClinVar variation 1021373 (VCV001021373.49), dbSNP rs1765286036, ClinGen allele CA16027600.